The following is an entry in ClinVar:

ClinVar aggregate classification (germline): Uncertain significance (1 of 4 stars; one submission).

Allele frequency attached by ClinVar (database versions not stated): ExAC 0.00001; TOPMed 0.00001; gnomAD exomes 0.00002.

Submission:

CeGaT Center for Human Genetics Tuebingen
Classification: Uncertain significance. Last evaluated: 2024-06-01. Review status: criteria provided, single submitter. Criteria: CeGaT Center For Human Genetics Tuebingen Variant Classification Criteria Version 2. Collection method: clinical testing. Allele origin: germline. Affected: yes. Observed: 1 variant allele.
Comment: AARS1: PM2, BP4

NM_001605.3(AARS1):c.2884C>T (p.Arg962Cys)

Gene: AARS1 (alanyl-tRNA synthetase 1; minus strand). Cytogenetic location: 16q22.1.
Variant type: single nucleotide variant.
Coding change: c.2884C>T on transcript NM_001605.3 (MANE Select); coding-DNA position 2884, C replaced by T.
Protein change: p.Arg962Cys; replaces arginine 962 with cysteine.
Molecular consequence: missense variant.
Genome position (GRCh38, 1-based): chr16:70,252,744, G>A on the plus strand (C>T on the coding strand, the complement: AARS1 is on the minus strand). VCF-style: chr16-70252744-G-A. GRCh37 (hg19) VCF-style: chr16-70286647-G-A.
Other names: short protein forms R962C.
Identifiers: ClinVar variation 3251173 (VCV003251173.18), dbSNP rs756681199.